The following is an entry in ClinVar:

NM_001379451.1(BCORL1):c.2277T>A (p.Pro759=)

Gene: BCORL1 (BCL6 corepressor like 1; plus strand). Cytogenetic location: Xq26.1.
Variant type: single nucleotide variant.
Coding change: c.2277T>A on transcript NM_001379451.1 (MANE Select); coding-DNA position 2277, T replaced by A.
Protein change: p.Pro759=; no amino-acid change (proline 759 retained).
Molecular consequence: synonymous variant.
Genome position (GRCh38, 1-based): chrX:130,015,049, T>A. VCF-style: chrX-130015049-T-A. GRCh37 (hg19) VCF-style: chrX-129149025-T-A.
Other names: c.2277T>A, p.Pro759= (NM_001184772.3, NM_001379450.1, NM_021946.5).
Identifiers: ClinVar variation 3771966 (VCV003771966.13).
Genomic context (GRCh38, chrX:130,015,049, plus strand): 5'-CCGTGACCCCCGCCATCTCCCCAAGCAGGAGCCCATCTCCATCATTGATCAAGGAGAGCC[T>A]AAGGGCACTGGTGCCACGTGTGGCAAAAAGGGCAGCCAGGCTGGTGCTGAGGGACAGCCA-3'
Protein context (NP_001366380.1, residues 749-769): EPISIIDQGE[Pro759=]KGTGATCGKK

ClinVar aggregate classification (germline): Likely benign (1 of 4 stars; one submission).

gnomAD v4.1: 2 of 1,210,218 alleles (0.00017%); highest among the groups gnomAD compares: Non-Finnish European, 0.00022%; no homozygotes.

Submission:

CeGaT Center for Human Genetics Tuebingen
Classification: Likely benign. Last evaluated: 2025-01-01. Review status: criteria provided, single submitter. Criteria: CeGaT Center For Human Genetics Tuebingen Variant Classification Criteria Version 2. Collection method: clinical testing. Allele origin: germline. Affected: yes. Observed: 1 variant allele.
Comment: BCORL1: BP4, BP7